The following is an entry in ClinVar:

ClinVar aggregate classification (germline): Uncertain significance (1 of 4 stars; one submission).

Conditions:
Shukla-Vernon syndrome. Identifiers: MedGen C5193146, MONDO:0026727, OMIM 301029.

Allele frequency attached by ClinVar (database versions not stated): ExAC 0.00003; gnomAD exomes 0.00003 and 0.00008; TOPMed 0.00003; gnomAD 0.00006 and 0.00008; ESP Exome Variant Server 0.00009.
gnomAD v4.1: 94 of 1,211,009 alleles (0.0078%); highest among the groups gnomAD compares: Non-Finnish European, 0.0094%; no homozygotes.

Submission:

Genetics and Molecular Pathology, SA Pathology
Classification: Uncertain significance for Shukla-Vernon syndrome. Last evaluated: 2021-04-15. Review status: criteria provided, single submitter. Criteria: ACMG Guidelines, 2015. Collection method: clinical testing. Allele origin: germline. Inheritance: X-linked recessive inheritance. Affected: yes.
Comment: The BCORL1 c.2365C>T variant is classified as a VARIANT OF UNCERTAIN SIGNIFICANCE (PP3) The BCORL1 c.2365C>T variant is a single nucleotide change in exon 3 of the BCORL1 gene, which is predicted to change the amino acid arginine at position 789 in the protein to cysteine. This variant is in dbSNP (rs371862075) and has been reported in population databases (gnomAD ALL: 12 / 205167 alleles, 4 hemizygotes, no homozygotes). It has not been reported in the ClinVar or HGMD disease databases. Computational predictions support a deleterious effect on the gene or gene product (PP3).

NM_001379451.1(BCORL1):c.2365C>T (p.Arg789Cys)

Gene: BCORL1 (BCL6 corepressor like 1; plus strand). Cytogenetic location: Xq26.1.
Variant type: single nucleotide variant.
Coding change: c.2365C>T on transcript NM_001379451.1 (MANE Select); coding-DNA position 2365, C replaced by T.
Protein change: p.Arg789Cys; replaces arginine 789 with cysteine.
Molecular consequence: missense variant.
Genome position (GRCh38, 1-based): chrX:130,015,137, C>T. VCF-style: chrX-130015137-C-T. GRCh37 (hg19) VCF-style: chrX-129149113-C-T.
Other names: c.2365C>T, p.Arg789Cys (NM_001184772.3, NM_001379450.1, NM_021946.5); short protein forms R789C.
Identifiers: ClinVar variation 1698812 (VCV001698812.2), dbSNP rs371862075, ClinGen allele CA10514347.
Genomic context (GRCh38, chrX:130,015,137, plus strand): 5'-AAGGGCAGCCAGGCTGGTGCTGAGGGACAGCCAAGCACAGTGAAACGATATACTCCAGCC[C>T]GCATTGCCCCTGGGCTGCCAGGGTGCCAAACCAAGGAACTCTCTTTGTGGAAACCCACGG-3'
Protein context (NP_001366380.1, residues 779-799): PSTVKRYTPA[Arg789Cys]IAPGLPGCQT